The following is an entry in ClinVar:

NM_012338.4(TSPAN12):c.113A>G (p.Tyr38Cys)

Gene: TSPAN12 (tetraspanin 12; minus strand). Cytogenetic location: 7q31.31.
Variant type: single nucleotide variant.
Coding change: c.113A>G on transcript NM_012338.4 (MANE Select); coding-DNA position 113, A replaced by G.
Protein change: p.Tyr38Cys; replaces tyrosine 38 with cysteine.
Molecular consequence: missense variant.
Genome position (GRCh38, 1-based): chr7:120,840,063, T>C on the plus strand (A>G on the coding strand, the complement: TSPAN12 is on the minus strand). VCF-style: chr7-120840063-T-C. GRCh37 (hg19) VCF-style: chr7-120480117-T-C.
Other names: short protein forms Y38C.
Identifiers: ClinVar variation 2879728 (VCV002879728.3), dbSNP rs2485422981, ClinGen allele CA369141543.

ClinVar aggregate classification (germline): Uncertain significance (1 of 4 stars; one submission).

Allele frequency attached by ClinVar (database versions not stated): gnomAD exomes below 0.00001.
gnomAD v4.1: 1 of 1,613,814 alleles (0.000062%); highest among the groups gnomAD compares: East Asian, 0.0022%; no homozygotes.

Submission:

Labcorp Genetics (formerly Invitae), Labcorp
Classification: Uncertain significance. Last evaluated: 2025-12-01. Review status: criteria provided, single submitter. Criteria: Invitae Variant Classification Sherloc (09022015). Collection method: clinical testing. Allele origin: germline.
Comment: This sequence change replaces tyrosine, which is neutral and polar, with cysteine, which is neutral and slightly polar, at codon 38 of the TSPAN12 protein (p.Tyr38Cys). This variant is not present in population databases (gnomAD no frequency). This variant has not been reported in the literature in individuals affected with TSPAN12-related conditions. ClinVar contains an entry for this variant (Variation ID: 2879728). Invitae Evidence Modeling of protein sequence and biophysical properties (such as structural, functional, and spatial information, amino acid conservation, physicochemical variation, residue mobility, and thermodynamic stability) indicates that this missense variant is not expected to disrupt TSPAN12 protein function with a negative predictive value of 80%. In summary, the available evidence is currently insufficient to determine the role of this variant in disease. Therefore, it has been classified as a Variant of Uncertain Significance.